The following is an entry in ClinVar:

ClinVar aggregate classification (germline): Pathogenic (1 of 4 stars; one submission).

Conditions:
Rubinstein-Taybi syndrome due to EP300 haploinsufficiency. Also called: RUBINSTEIN-TAYBI SYNDROME 2; EP300-Related Rubinstein-Taybi Syndrome. Identifiers: Orphanet 353284, Orphanet 783, MedGen C3150941, MONDO:0013364, OMIM 613684.

Submission:

Victorian Clinical Genetics Services, Murdoch Childrens Research Institute
Classification: Pathogenic for Rubinstein-Taybi syndrome due to EP300 haploinsufficiency. Last evaluated: 2023-12-21. Review status: criteria provided, single submitter. Criteria: ACMG Guidelines, 2015. Collection method: clinical testing. Allele origin: germline. Inheritance: Autosomal dominant inheritance. Affected: yes.
Comment: Based on the classification scheme VCGS_Germline_v1.3.4, this variant is classified as Pathogenic. Following criteria are met: 0102 - Loss of function is a known mechanism of disease in this gene and is associated with Rubinstein-Taybi syndrome 2 (RSTS; MIM#613684) and Menke-Hennekam syndrome 2 (MHS2; MIM#618333). Additionally, dominant negative is a suggested mechanism (PMIDs: 20301699, 24381114). Variants reported to cause RSTS are found throughout the protein, whereas of the few variants reported to cause MHS, all were located in exon 31 (PMID: 29460469). (I) 0107 - This gene is associated with autosomal dominant disease. (I) 0115 - Variants in this gene are known to have variable expressivity. Clinical features and developmental outcomes vary considerably between individuals with RSTS, with rare reports of pathogenic variants inherited from asymptomatic or mildly affected parents (PMID: 20301699). (I) 0201 - Variant is predicted to cause nonsense-mediated decay (NMD) and loss of protein (premature termination codon is located at least 54 nucleotides upstream of the final exon-exon junction). Functional analysis using western blotting and RT-qPCR showed a decrease in protein and mRNA expression respectively (PMID: 32476269). (SP) 0251 - This variant is heterozygous. (I) 0301 - Variant is absent from gnomAD (both v2 and v3). (SP) 0701 - Other NMD-predicted variants comparable to the one identified in this case have very strong previous evidence for pathogenicity. Many NMD-predicted variants have previously been reported as pathogenic in patients with RSTS (ClinVar). (SP) 0802 - This variant has moderate previous evidence of pathogenicity in unrelated individuals. This variant has been reported as de novo in one individual with EP300-related features (PMID: 32476269). (SP) 0905 - No published segregation evidence has been identified for this variant. (I) 1208 - Inheritance information for this variant is not currently available in this individual. (I) Legend: (SP) - Supporting pathogenic, (I) - Information, (SB) - Supporting benign

Literature cited by the submitters: PubMed 20301699; PubMed 24381114; PubMed 29460469; PubMed 32476269.

NM_001429.4(EP300):c.4408dup (p.Met1470fs)

Gene: EP300 (EP300 lysine acetyltransferase; plus strand). Cytogenetic location: 22q13.2.
Variant type: Duplication.
Coding change: c.4408dup on transcript NM_001429.4 (MANE Select); coding-DNA position 4408, one base duplicated (A; older notation c.4408dupA).
Protein change: p.Met1470fs; shifts the reading frame from methionine 1470.
Molecular consequence: frameshift variant.
Genome position (GRCh38, 1-based): chr22:41,170,527, A duplicated; the last of 7 consecutive A bases (chr22:41,170,521-41,170,527); duplicating any one gives the same sequence. VCF-style (leftmost placement, unchanged base first): chr22-41170520-C-CA. GRCh37 (hg19) VCF-style: chr22-41566524-C-CA.
Other names: c.4330dup, p.Met1444fs (NM_001362843.2); short protein forms M1444fs, M1470fs.
Identifiers: ClinVar variation 3255220 (VCV003255220.1), dbSNP rs2517824218.